The following is an entry in ClinVar:

NM_001904.4(CTNNB1):c.535T>G (p.Ser179Ala)

Genes: CTNNB1 (catenin beta 1; plus strand), LOC126806658 (BRD4-independent group 4 enhancer GRCh37_chr3:41265899-41267098; plus strand). Cytogenetic location: 3p22.1.
Variant type: single nucleotide variant.
Coding change: c.535T>G on transcript NM_001904.4 (MANE Select); coding-DNA position 535, T replaced by G.
Protein change: p.Ser179Ala; replaces serine 179 with alanine.
Molecular consequence: missense variant.
Genome position (GRCh38, 1-based): chr3:41,225,373, T>G. VCF-style: chr3-41225373-T-G. GRCh37 (hg19) VCF-style: chr3-41266864-T-G.
Other names: c.535T>G, p.Ser179Ala (NM_001098209.2, NM_001098210.2); c.514T>G, p.Ser172Ala (NM_001330729.2); short protein forms S172A, S179A.
Identifiers: ClinVar variation 1801935 (VCV001801935.1), dbSNP rs2125622364, ClinGen allele CA352229524.
Genomic context (GRCh38, chr3:41,225,373, plus strand): 5'-TTCTGAATTCCTGTATTACAGGTGGTGGTTAATAAGGCTGCAGTTATGGTCCATCAGCTT[T>G]CTAAAAAGGAAGCTTCCAGACACGCTATCATGCGTTCTCCTCAGATGGTGTCTGCTATTG-3'
Protein context (NP_001895.1, residues 169-189): NKAAVMVHQL[Ser179Ala]KKEASRHAIM

ClinVar aggregate classification (germline): Uncertain significance (1 of 4 stars; one submission).

Submission:

GeneDx
Classification: Uncertain significance. Last evaluated: 2022-06-03. Review status: criteria provided, single submitter. Criteria: GeneDx Variant Classification Process June 2021. Collection method: clinical testing. Allele origin: germline. Affected: yes.
Comment: Not observed at significant frequency in large population cohorts (gnomAD); In silico analysis supports that this missense variant does not alter protein structure/function; Has not been previously published as pathogenic or benign to our knowledge